The following is an entry in ClinVar:

Conditions:
Long QT syndrome 5 (LQT5). Identifiers: Orphanet 101016, Orphanet 768, MedGen C1867904, MONDO:0013372, OMIM 613695.

Submission:

Roden Lab, Vanderbilt University Medical Center
No classification provided (evidence only). Condition: Long QT syndrome 5. Review status: no classification provided. Collection method: in vitro. Allele origin: not applicable. Functional consequence: Effect on ion channel function.
ClinVar note: "not provided" was previously submitted as the classification for the variant. However, the classification appeared to be based only on an observation of functional data so it was converted to no classification on 2025-07-30.

NM_000219.6(KCNE1):c.132C>G (p.Ala44=)

Gene: KCNE1 (potassium voltage-gated channel subfamily E regulatory subunit 1; minus strand). Cytogenetic location: 21q22.12.
Variant type: single nucleotide variant.
Coding change: c.132C>G on transcript NM_000219.6 (MANE Select); coding-DNA position 132, C replaced by G.
Protein change: p.Ala44=; no amino-acid change (alanine 44 retained).
Molecular consequence: synonymous variant.
Genome position (GRCh38, 1-based): chr21:34,449,503, G>C on the plus strand (C>G on the coding strand, the complement: KCNE1 is on the minus strand). VCF-style: chr21-34449503-G-C. GRCh37 (hg19) VCF-style: chr21-35821801-G-C.
Other names: c.132C>G, p.Ala44= (NM_001127668.4, NM_001127669.4, NM_001127670.4 and 4 more transcripts).
Identifiers: ClinVar variation 3374131 (VCV003374131.2).